The following is an entry in ClinVar:

ClinVar aggregate classification (germline): Uncertain significance (1 of 4 stars; one submission).

Conditions:
Wiskott-Aldrich syndrome 2 (WAS2). Also called: WIPF1 DEFICIENCY. Identifiers: Orphanet 906, MedGen C3281001, MONDO:0013779, OMIM 614493.

gnomAD v4.1: 1 of 1,610,330 alleles (0.000062%); highest among the groups gnomAD compares: East Asian, 0.0022%; no homozygotes.

Submission:

Labcorp Genetics (formerly Invitae), Labcorp
Classification: Uncertain significance for Wiskott-Aldrich syndrome 2. Last evaluated: 2022-02-05. Review status: criteria provided, single submitter. Criteria: Invitae Variant Classification Sherloc (09022015). Collection method: clinical testing. Allele origin: germline.
Comment: This sequence change replaces threonine, which is neutral and polar, with alanine, which is neutral and non-polar, at codon 435 of the WIPF1 protein (p.Thr435Ala). This variant is not present in population databases (gnomAD no frequency). This variant has not been reported in the literature in individuals affected with WIPF1-related conditions. Algorithms developed to predict the effect of missense changes on protein structure and function output the following: SIFT: "Not Available"; PolyPhen-2: "Benign"; Align-GVGD: "Not Available". The alanine amino acid residue is found in multiple mammalian species, which suggests that this missense change does not adversely affect protein function. Algorithms developed to predict the effect of sequence changes on RNA splicing suggest that this variant may create or strengthen a splice site. In summary, the available evidence is currently insufficient to determine the role of this variant in disease. Therefore, it has been classified as a Variant of Uncertain Significance.

NM_001375834.1(WIPF1):c.1303A>G (p.Thr435Ala)

Gene: WIPF1 (WAS/WASL interacting protein family member 1; minus strand). Cytogenetic location: 2q31.1.
Variant type: single nucleotide variant.
Coding change: c.1303A>G on transcript NM_001375834.1 (MANE Select); coding-DNA position 1303, A replaced by G.
Protein change: p.Thr435Ala; replaces threonine 435 with alanine.
Molecular consequence: missense variant.
Genome position (GRCh38, 1-based): chr2:174,567,900, T>C on the plus strand (A>G on the coding strand, the complement: WIPF1 is on the minus strand). VCF-style: chr2-174567900-T-C. GRCh37 (hg19) VCF-style: chr2-175432628-T-C.
Other names: c.1303A>G, p.Thr435Ala (NM_001077269.1, NM_001375832.1, NM_001375833.1 and 2 more transcripts); c.925A>G, p.Thr309Ala (NM_001375839.1); short protein forms T435A, T309A.
Identifiers: ClinVar variation 1498553 (VCV001498553.8), dbSNP rs2105796927, ClinGen allele CA349336555.